The following is an entry in ClinVar:

ClinVar aggregate classification (germline): Conflicting classifications of pathogenicity. Review status: criteria provided, conflicting classifications (1 of 4 stars). 4 submissions from 4 submitters: Likely pathogenic (3); Uncertain significance (1). Last evaluated 2026-04-17.

Conditions:
Polycystic kidney disease, adult type (PKD1). Also called: POLYCYSTIC KIDNEY DISEASE 1 WITH OR WITHOUT POLYCYSTIC LIVER DISEASE; Polycystic Kidney Disease 1, Autosomal Dominant; Polycystic kidney disease 1; Polycystic kidney disease 1, severe; Polycystic Kidney, Autosomal Dominant; POLYCYSTIC KIDNEY DISEASE, ADULT, TYPE I. Identifiers: MedGen C3149841, MONDO:0008263, OMIM 173900.

Submissions (4):

Women's Health and Genetics/Laboratory Corporation of America, LabCorp
Classification: Likely pathogenic for Polycystic kidney disease, adult type. Last evaluated: 2026-04-17. Review status: criteria provided, single submitter. Criteria: LabCorp Variant Classification Summary - May 2015. Collection method: clinical testing. Allele origin: germline.
Comment: Variant summary: PKD1 c.9395C>T (p.Ser3132Leu) results in a non-conservative amino acid change in the encoded protein sequence. Algorithms developed to predict the effect of missense changes on protein structure and function all suggest that this variant is likely to be disruptive. Computational tools predict a significant impact on normal splicing: Two predict the variant weakens the canonical 5' splicing donor site. However, these predictions have yet to be confirmed by functional studies. The variant was absent in 147556 control chromosomes (gnomAD). c.9395C>T has been observed in individuals affected with Polycystic Kidney Disease 1 (example, Cornec-LeGall_2013, Kim_2019, Benson_2021, Mansilla_2021, Wolff_2025). These data indicate that the variant is likely to be associated with disease. To our knowledge, no experimental evidence demonstrating an impact on protein function has been reported. ClinVar contains an entry for this variant (Variation ID: 873378). The following publications have been ascertained in the context of this evaluation (PMID: 33454723, 23431072, 31740684, 31738409, 39705090). Based on the evidence outlined above, the variant was classified as likely pathogenic.

Fulgent Genetics
Classification: Likely pathogenic for Polycystic kidney disease, adult type. Last evaluated: 2024-06-23. Review status: criteria provided, single submitter. Criteria: ACMG Guidelines, 2015. Collection method: clinical testing. Allele origin: germline.

Cavalleri Lab, Royal College of Surgeons in Ireland
Classification: Uncertain significance for Polycystic kidney disease, adult type. Last evaluated: 2020-02-05. Review status: criteria provided, single submitter. Criteria: ACMG Guidelines, 2015. Collection method: research. Allele origin: unknown. Inheritance: Autosomal dominant inheritance. Affected: yes.
Comment: PM2, PP3, PP4, PP5

Juno Genomics, Hangzhou Juno Genomics, Inc
Classification: Likely pathogenic for Polycystic kidney disease, adult type. Review status: criteria provided, single submitter. Criteria: ACMG Guidelines, 2015. Collection method: clinical testing. Allele origin: germline. Affected: yes.
Comment: Absent from controls (or at extremely low frequency if recessive) in Genome Aggregation Database.;Multiple lines of computational evidence support a deleterious effect on the gene or gene product.;The prevalence of the variant in affected individuals is significantly increased compared to the prevalence in controls.;Patient's phenotype or family history is highly specific for a disease with a single genetic etiology.

Literature cited by the submitters: PubMed 31738409 (cited by Women's Health and Genetics/Laboratory Corporation of America, LabCorp); PubMed 23431072 (cited by Women's Health and Genetics/Laboratory Corporation of America, LabCorp); PubMed 33454723 (cited by Women's Health and Genetics/Laboratory Corporation of America, LabCorp); PubMed 31740684 (cited by Women's Health and Genetics/Laboratory Corporation of America, LabCorp); PubMed 39705090 (cited by Women's Health and Genetics/Laboratory Corporation of America, LabCorp).

NM_001009944.3(PKD1):c.9395C>T (p.Ser3132Leu)

Gene: PKD1 (polycystin 1, transient receptor potential channel interacting; minus strand). Cytogenetic location: 16p13.3.
Variant type: single nucleotide variant.
Coding change: c.9395C>T on transcript NM_001009944.3 (MANE Select); coding-DNA position 9395, C replaced by T.
Protein change: p.Ser3132Leu; replaces serine 3132 with leucine.
Molecular consequence: missense variant.
Genome position (GRCh38, 1-based): chr16:2,102,063, G>A on the plus strand (C>T on the coding strand, the complement: PKD1 is on the minus strand). VCF-style: chr16-2102063-G-A. GRCh37 (hg19) VCF-style: chr16-2152064-G-A.
Other names: c.9395C>T, p.Ser3132Leu (NM_000296.4); short protein forms S3132L.
Identifiers: ClinVar variation 873378 (VCV000873378.5), dbSNP rs2092119222, ClinGen allele CA394357609.